The following is an entry in ClinVar:

ClinVar aggregate classification (germline): Uncertain significance (1 of 4 stars; one submission).

gnomAD v4.1: 20 of 1,010,764 alleles (0.002%); highest among the groups gnomAD compares: Non-Finnish European, 0.0024%; no homozygotes.

Submission:

Labcorp Genetics (formerly Invitae), Labcorp
Classification: Uncertain significance. Last evaluated: 2025-01-28. Review status: criteria provided, single submitter. Criteria: Invitae Variant Classification Sherloc (09022015). Collection method: clinical testing. Allele origin: germline.
Comment: This sequence change replaces alanine, which is neutral and non-polar, with glycine, which is neutral and non-polar, at codon 40 of the FOXI3 protein (p.Ala40Gly). The frequency data for this variant in the population databases is considered unreliable, as metrics indicate insufficient coverage at this position in the gnomAD database. This variant has not been reported in the literature in individuals affected with FOXI3-related conditions. Experimental studies and prediction algorithms are not available or were not evaluated, and the functional significance of this variant is currently unknown. In summary, the available evidence is currently insufficient to determine the role of this variant in disease. Therefore, it has been classified as a Variant of Uncertain Significance.

NM_001135649.3(FOXI3):c.119C>G (p.Ala40Gly)

Gene: FOXI3 (forkhead box I3; minus strand). Cytogenetic location: 2p11.2.
Variant type: single nucleotide variant.
Coding change: c.119C>G on transcript NM_001135649.3 (MANE Select); coding-DNA position 119, C replaced by G.
Protein change: p.Ala40Gly; replaces alanine 40 with glycine.
Molecular consequence: missense variant.
Genome position (GRCh38, 1-based): chr2:88,452,417, G>C on the plus strand (C>G on the coding strand, the complement: FOXI3 is on the minus strand). VCF-style: chr2-88452417-G-C. GRCh37 (hg19) VCF-style: chr2-88751935-G-C.
Other names: short protein forms A40G.
Identifiers: ClinVar variation 3678684 (VCV003678684.2).